The following is an entry in ClinVar:

ClinVar aggregate classification (germline): Benign/Likely benign. Review status: criteria provided, multiple submitters, no conflicts (2 of 4 stars). 8 submissions from 8 submitters: Benign (3); Likely benign (3). 2 of the submissions do not count toward it. Last evaluated 2026-09-01.

Allele frequency attached by ClinVar (database versions not stated): 1000 Genomes Project 30x 0.00687; 1000 Genomes Project 0.00699; TOPMed 0.00926; gnomAD 0.00980 and 0.01016; ESP Exome Variant Server 0.01081; gnomAD exomes 0.01272 and 0.01645; ExAC 0.02212.
gnomAD v4.1: 25,232 of 1,597,036 alleles (1.6%); highest among the groups gnomAD compares: South Asian, 2.3%; 248 homozygotes.

Submissions (8):

CeGaT Center for Human Genetics Tuebingen
Classification: Benign. Last evaluated: 2026-09-01. Review status: criteria provided, single submitter. Criteria: CeGaT Center For Human Genetics Tuebingen Variant Classification Criteria Version 2. Collection method: clinical testing. Allele origin: germline. Affected: yes. Observed: 59 variant alleles.
Comment: COL18A1: BS1, BS2

Labcorp Genetics (formerly Invitae), Labcorp
Classification: Benign. Last evaluated: 2026-02-03. Review status: criteria provided, single submitter. Criteria: Invitae Variant Classification Sherloc (09022015). Collection method: clinical testing. Allele origin: germline.

Blueprint Genetics
Classification: Likely benign. Last evaluated: 2024-11-28. Review status: criteria provided, single submitter. Criteria: ACMG Guidelines, 2015. Collection method: clinical testing. Allele origin: germline.

Genetic Services Laboratory, University of Chicago
Classification: Benign. Last evaluated: 2018-08-27. Review status: criteria provided, single submitter. Criteria: ACMG Guidelines, 2015. Collection method: clinical testing. Allele origin: germline. Affected: no.

Breakthrough Genomics
Classification: Likely benign. Review status: criteria provided, single submitter. Criteria: ACMG Guidelines, 2015. Collection method: not provided. Allele origin: germline. Inheritance: Autosomal recessive inheritance. Affected: yes.

PreventionGenetics, part of Exact Sciences
Classification: Likely benign. Review status: criteria provided, single submitter. Criteria: ACMG Guidelines, 2015. Collection method: clinical testing. Allele origin: germline.

Clinical Genetics DNA and cytogenetics Diagnostics Lab, Erasmus MC, Erasmus Medical Center
Classification: Likely benign. Review status: no assertion criteria provided. Collection method: clinical testing. Allele origin: germline. Affected: yes. Study: VKGL Data-share Consensus. Not counted in ClinVar's aggregate classification.

Laboratory of Diagnostic Genome Analysis, Leiden University Medical Center (LUMC)
Classification: Likely benign. Review status: no assertion criteria provided. Collection method: clinical testing. Allele origin: germline. Affected: yes. Study: VKGL Data-share Consensus. Not counted in ClinVar's aggregate classification.

NM_001379500.1(COL18A1):c.3610G>A (p.Ala1204Thr)

Genes: COL18A1 (collagen type XVIII alpha 1 chain; plus strand), SLC19A1 (solute carrier family 19 member 1; minus strand). Cytogenetic location: 21q22.3.
Variant type: single nucleotide variant.
Coding change: c.3610G>A on transcript NM_001379500.1 (MANE Select); coding-DNA position 3610, G replaced by A.
Protein change: p.Ala1204Thr; replaces alanine 1204 with threonine.
Molecular consequence: missense variant.
Genome position (GRCh38, 1-based): chr21:45,510,178, G>A. VCF-style: chr21-45510178-G-A. GRCh37 (hg19) VCF-style: chr21-46930092-G-A.
Other names: c.4141G>A, p.Ala1381Thr (NM_030582.4); c.4846G>A, p.Ala1616Thr (NM_130444.3); short protein forms A1381T, A1616T, A1204T.
Identifiers: ClinVar variation 261914 (VCV000261914.43), dbSNP rs144147445, ClinGen allele CA10067975.